The following is an entry in ClinVar:

NM_000416.3(IFNGR1):c.982C>T (p.Pro328Ser)

Gene: IFNGR1 (interferon gamma receptor 1; minus strand). Cytogenetic location: 6q23.3.
Variant type: single nucleotide variant.
Coding change: c.982C>T on transcript NM_000416.3 (MANE Select); coding-DNA position 982, C replaced by T.
Protein change: p.Pro328Ser; replaces proline 328 with serine.
Molecular consequence: missense variant.
Genome position (GRCh38, 1-based): chr6:137,198,519, G>A on the plus strand (C>T on the coding strand, the complement: IFNGR1 is on the minus strand). VCF-style: chr6-137198519-G-A. GRCh37 (hg19) VCF-style: chr6-137519656-G-A.
Other names: c.952C>T, p.Pro318Ser (NM_001363526.1); c.859C>T, p.Pro287Ser (NM_001363527.1); short protein forms P318S, P287S, P328S.
Identifiers: ClinVar variation 2097601 (VCV002097601.4), dbSNP rs2114444963, ClinGen allele CA365773064.

ClinVar aggregate classification (germline): Uncertain significance (1 of 4 stars; one submission).

Conditions:
Disseminated atypical mycobacterial infection. Identifiers: MedGen C0694566.

Allele frequency attached by ClinVar (database versions not stated): gnomAD exomes below 0.00001.
gnomAD v4.1: 1 of 1,614,084 alleles (0.000062%); highest among the groups gnomAD compares: Non-Finnish European, 0.000085%; no homozygotes.

Submission:

Labcorp Genetics (formerly Invitae), Labcorp
Classification: Uncertain significance for Disseminated atypical mycobacterial infection. Last evaluated: 2022-02-14. Review status: criteria provided, single submitter. Criteria: Invitae Variant Classification Sherloc (09022015). Collection method: clinical testing. Allele origin: germline.
Comment: In summary, the available evidence is currently insufficient to determine the role of this variant in disease. Therefore, it has been classified as a Variant of Uncertain Significance. Algorithms developed to predict the effect of missense changes on protein structure and function output the following: SIFT: "Tolerated"; PolyPhen-2: "Possibly Damaging"; Align-GVGD: "Class C0". The serine amino acid residue is found in multiple mammalian species, which suggests that this missense change does not adversely affect protein function. This variant has not been reported in the literature in individuals affected with IFNGR1-related conditions. This variant is not present in population databases (gnomAD no frequency). This sequence change replaces proline, which is neutral and non-polar, with serine, which is neutral and polar, at codon 328 of the IFNGR1 protein (p.Pro328Ser).